The following is an entry in ClinVar:

ClinVar aggregate classification (germline): Likely benign. Review status: criteria provided, multiple submitters, no conflicts (2 of 4 stars). 2 submissions from 2 submitters: Likely benign (2). Last evaluated 2026-07-08.

Conditions:
MYO5B-related disorder. Also called: MYO5B-related condition.

Allele frequency attached by ClinVar (database versions not stated): gnomAD exomes 0.00004 and 0.00007; TOPMed 0.00008; ExAC 0.00011; gnomAD 0.00011; ESP Exome Variant Server 0.00040; 1000 Genomes Project 30x 0.00047; 1000 Genomes Project 0.00060.
gnomAD v4.1: 70 of 1,614,140 alleles (0.0043%); highest among the groups gnomAD compares: African/African-American, 0.023%; no homozygotes.

Submissions (2):

PreventionGenetics, part of Exact Sciences
Classification: Likely benign for MYO5B-related condition. Last evaluated: 2026-07-08. Review status: criteria provided, single submitter. Criteria: ACMG Guidelines, 2015. Collection method: clinical testing. Allele origin: germline.
Comment: This variant is classified as likely benign based on ACMG/AMP sequence variant interpretation guidelines (Richards et al. 2015 PMID: 25741868, with internal and published modifications).

Labcorp Genetics (formerly Invitae), Labcorp
Classification: Likely benign. Last evaluated: 2022-01-15. Review status: criteria provided, single submitter. Criteria: Invitae Variant Classification Sherloc (09022015). Collection method: clinical testing. Allele origin: germline.

NM_001080467.3(MYO5B):c.4536G>A (p.Ala1512=)

Genes: MYO5B (myosin VB; minus strand), SNHG22 (small nucleolar RNA host gene 22; plus strand). Cytogenetic location: 18q21.1.
Variant type: single nucleotide variant.
Coding change: c.4536G>A on transcript NM_001080467.3 (MANE Select); coding-DNA position 4536, G replaced by A.
Protein change: p.Ala1512=; no amino-acid change (alanine 1512 retained).
Molecular consequence: synonymous variant.
Genome position (GRCh38, 1-based): chr18:49,843,316, C>T on the plus strand (G>A on the coding strand, the complement: MYO5B is on the minus strand). VCF-style: chr18-49843316-C-T. GRCh37 (hg19) VCF-style: chr18-47369686-C-T.
Other names: c.4536G>A (NM_001080467.2).
Identifiers: ClinVar variation 1535701 (VCV001535701.9), dbSNP rs368186579, ClinGen allele CA8960321.